The following is an entry in ClinVar:

NM_014844.5(TECPR2):c.1834_1835del (p.Gln612fs)

Gene: TECPR2 (tectonin beta-propeller repeat containing 2; plus strand). Cytogenetic location: 14q32.31.
Variant type: Microsatellite.
Coding change: c.1834_1835del on transcript NM_014844.5 (MANE Select); coding-DNA positions 1834 to 1835, 2 bases deleted (CA; older notation c.1834_1835delCA).
Protein change: p.Gln612fs; shifts the reading frame from glutamine 612.
Molecular consequence: frameshift variant.
Genome position (GRCh38, 1-based): chr14:102,434,651-102,434,652, CA deleted; deleting any 2 consecutive bases within chr14:102,434,647-102,434,652 gives the same sequence; the c. name uses the placement nearest the transcript's 3' end. VCF-style (leftmost placement, unchanged base first): chr14-102434646-GCA-G. GRCh37 (hg19) VCF-style: chr14-102900983-GCA-G.
Other names: c.1834_1835del, p.Gln612fs (NM_001172631.3); short protein forms Q612fs.
Identifiers: ClinVar variation 1414575 (VCV001414575.6), dbSNP rs2139731066, ClinGen allele CA2575629061.
Genomic context (GRCh38, chr14:102,434,646, plus strand): 5'-GAGGCAGTGATGTCACGGGACTCGGAGATGAGCCGTGTCCTGCAGATGATGGACCAAATA[GCA>G]CACAGTTACCCTTCCAAGAACAGGACAGCTCTCCTGGGGCGCATGATGGGGAAGACATCC-3'

ClinVar aggregate classification (germline): Pathogenic (1 of 4 stars; one submission).

Conditions:
Hereditary spastic paraplegia 49 (HSAN9). Also called: NEUROPATHY, HEREDITARY SENSORY AND AUTONOMIC, TYPE IX, WITH DEVELOPMENTAL DELAY; Spastic paraplegia 49, autosomal recessive; TECPR2-Related Hereditary Sensory and Autonomic Neuropathy with Intellectual Disability. Identifiers: Orphanet 320385, MedGen C5190860, MONDO:0014016, OMIM 615031.

Submission:

Labcorp Genetics (formerly Invitae), Labcorp
Classification: Pathogenic for Hereditary spastic paraplegia 49. Last evaluated: 2021-05-02. Review status: criteria provided, single submitter. Criteria: Invitae Variant Classification Sherloc (09022015). Collection method: clinical testing. Allele origin: germline.
Comment: This sequence change creates a premature translational stop signal (p.Gln612Valfs*14) in the TECPR2 gene. It is expected to result in an absent or disrupted protein product. Loss-of-function variants in TECPR2 are known to be pathogenic (PMID: 23176824, 25590979). This variant is not present in population databases (ExAC no frequency). This variant has not been reported in the literature in individuals with TECPR2-related conditions. For these reasons, this variant has been classified as Pathogenic.

Literature cited by the submitters: PubMed 23176824; PubMed 25590979.